The following is an entry in ClinVar:

NM_006904.7(PRKDC):c.7169A>C (p.His2390Pro)

Gene: PRKDC (protein kinase, DNA-activated, catalytic subunit; minus strand). Cytogenetic location: 8q11.21.
Variant type: single nucleotide variant.
Coding change: c.7169A>C on transcript NM_006904.7 (MANE Select); coding-DNA position 7169, A replaced by C.
Protein change: p.His2390Pro; replaces histidine 2390 with proline.
Molecular consequence: missense variant.
Genome position (GRCh38, 1-based): chr8:47,849,265, T>G on the plus strand (A>C on the coding strand, the complement: PRKDC is on the minus strand). VCF-style: chr8-47849265-T-G. GRCh37 (hg19) VCF-style: chr8-48761826-T-G.
Other names: c.7169A>C, p.His2390Pro (NM_001081640.2); short protein forms H2390P.
Identifiers: ClinVar variation 1423750 (VCV001423750.6), dbSNP rs2154500194, ClinGen allele CA371157669.
Genomic context (GRCh38, chr8:47,849,265, plus strand): 5'-TCTGTCATTCCCTCCACACGACAAAGTACCACCTCCAGACAGAGTGTTTTCAACACTCCA[T>G]GAAATTTTGGCAGCAGAAAGAACACAGCATTCATGAACCTGGCGGGGAAGGGAACTGGTG-3'
Protein context (NP_008835.5, residues 2380-2400): NAVFFLLPKF[His2390Pro]GVLKTLCLEV

ClinVar aggregate classification (germline): Uncertain significance (1 of 4 stars; one submission).

Conditions:
Severe combined immunodeficiency due to DNA-PKcs deficiency. Also called: Immunodeficiency 26 with or without neurologic abnormalities; IMMUNODEFICIENCY 26 WITH NEUROLOGIC ABNORMALITIES. Identifiers: Orphanet 317425, MedGen C4014833, MONDO:0014423, OMIM 615966.

Submission:

Labcorp Genetics (formerly Invitae), Labcorp
Classification: Uncertain significance for Severe combined immunodeficiency due to DNA-PKcs deficiency. Last evaluated: 2020-11-16. Review status: criteria provided, single submitter. Criteria: Invitae Variant Classification Sherloc (09022015). Collection method: clinical testing. Allele origin: germline.
Comment: This variant is not present in population databases (ExAC no frequency). This variant has not been reported in the literature in individuals with PRKDC-related conditions. Experimental studies and prediction algorithms are not available or were not evaluated, and the functional significance of this variant is currently unknown. In summary, the available evidence is currently insufficient to determine the role of this variant in disease. Therefore, it has been classified as a Variant of Uncertain Significance. This sequence change replaces histidine with proline at codon 2390 of the PRKDC protein (p.His2390Pro). The histidine residue is moderately conserved, and there is a moderate physicochemical difference between histidine and proline.